The following is an entry in ClinVar:

NM_144691.4(CAPN12):c.2134-6C>T

Genes: ACTN4 (actinin alpha 4; plus strand), CAPN12 (calpain 12; minus strand). Cytogenetic location: 19q13.2.
Variant type: single nucleotide variant.
Coding change: c.2134-6C>T on transcript NM_144691.4 (MANE Select); 6 bases into the intron before coding-DNA position 2134, C replaced by T.
Molecular consequence: intron variant. On other transcripts: 3 prime UTR variant (3).
Genome position (GRCh38, 1-based): chr19:38,730,884, G>A on the plus strand (C>T on the coding strand, the complement: CAPN12 is on the minus strand). VCF-style: chr19-38730884-G-A. GRCh37 (hg19) VCF-style: chr19-39221524-G-A.
Other names: c.*1452G>A (NM_001322033.2, NM_001411143.1, NM_004924.6).
Identifiers: ClinVar variation 1261296 (VCV001261296.4), dbSNP rs73933053, ClinGen allele CA9418211.

ClinVar aggregate classification (germline): Benign. Review status: criteria provided, single submitter (1 of 4 stars). 2 submissions from 2 submitters: Benign (1). 1 of the submissions does not count toward it. Last evaluated 2018-07-09.

Conditions:
CAPN12-related disorder. Also called: CAPN12-related condition.

Allele frequency attached by ClinVar (database versions not stated): gnomAD exomes 0.00210 and 0.00540; ExAC 0.01234; ESP Exome Variant Server 0.02155; gnomAD 0.02162 and 0.02336; 1000 Genomes Project 0.02336; TOPMed 0.02363; 1000 Genomes Project 30x 0.02467.
gnomAD v4.1: 6,373 of 1,551,596 alleles (0.41%); highest among the groups gnomAD compares: African/African-American, 7.7%; 225 homozygotes.

Submissions (2):

GeneDx
Classification: Benign. Last evaluated: 2018-07-09. Review status: criteria provided, single submitter. Criteria: GeneDx Variant Classification Process June 2021. Collection method: clinical testing. Allele origin: germline. Affected: yes.

PreventionGenetics, part of Exact Sciences
Classification: Benign for CAPN12-related condition. Last evaluated: 2019-10-28. Review status: no assertion criteria provided. Collection method: clinical testing. Allele origin: germline. Not counted in ClinVar's aggregate classification.
Comment: This variant is classified as benign based on ACMG/AMP sequence variant interpretation guidelines (Richards et al. 2015 PMID: 25741868, with internal and published modifications).